The following is an entry in ClinVar:

ClinVar aggregate classification (germline): Uncertain significance (1 of 4 stars; one submission).

Conditions:
Emery-Dreifuss muscular dystrophy 5, autosomal dominant (EDMD5). Also called: EMERY-DREIFUSS MUSCULAR DYSTROPHY 5. Identifiers: Orphanet 261, MedGen C2751805, MONDO:0013072, OMIM 612999.

Allele frequency attached by ClinVar (database versions not stated): gnomAD exomes below 0.00001.
gnomAD v4.1: 5 of 1,613,992 alleles (0.00031%); highest among the groups gnomAD compares: Admixed American, 0.005%; no homozygotes.

Submission:

Labcorp Genetics (formerly Invitae), Labcorp
Classification: Uncertain significance for Emery-Dreifuss muscular dystrophy 5, autosomal dominant. Last evaluated: 2025-06-12. Review status: criteria provided, single submitter. Criteria: Invitae Variant Classification Sherloc (09022015). Collection method: clinical testing. Allele origin: germline.
Comment: This sequence change replaces alanine, which is neutral and non-polar, with valine, which is neutral and non-polar, at codon 3501 of the SYNE2 protein (p.Ala3501Val). This variant is not present in population databases (gnomAD no frequency). This variant has not been reported in the literature in individuals affected with SYNE2-related conditions. ClinVar contains an entry for this variant (Variation ID: 1465427). An algorithm developed to predict the effect of missense changes on protein structure and function (PolyPhen-2) suggests that this variant is likely to be tolerated. In summary, the available evidence is currently insufficient to determine the role of this variant in disease. Therefore, it has been classified as a Variant of Uncertain Significance.

NM_182914.3(SYNE2):c.10502C>T (p.Ala3501Val)

Gene: SYNE2 (spectrin repeat containing nuclear envelope protein 2; plus strand). Cytogenetic location: 14q23.2.
Variant type: single nucleotide variant.
Coding change: c.10502C>T on transcript NM_182914.3 (MANE Select); coding-DNA position 10502, C replaced by T.
Protein change: p.Ala3501Val; replaces alanine 3501 with valine.
Molecular consequence: missense variant.
Genome position (GRCh38, 1-based): chr14:64,070,715, C>T. VCF-style: chr14-64070715-C-T. GRCh37 (hg19) VCF-style: chr14-64537433-C-T.
Other names: c.10502C>T, p.Ala3501Val (NM_015180.6); short protein forms A3501V.
Identifiers: ClinVar variation 1465427 (VCV001465427.8), dbSNP rs1042324901, ClinGen allele CA261798335.
Genomic context (GRCh38, chr14:64,070,715, plus strand): 5'-AGGCAATTATTTTAGATAATCTTCAGGAAGAACTCCCTGAAATTTCCAAAACAAAAGAGG[C>T]AGCCACCACAGAGGAACTCTCTGAGCTGCTAGACTGTTTATGCCAATATGGAGAGAACGT-3'
Protein context (NP_878918.2, residues 3491-3511): ELPEISKTKE[Ala3501Val]ATTEELSELL